The following is an entry in ClinVar:

NM_000479.5(AMH):c.428C>T (p.Thr143Ile)

Gene: AMH (anti-Mullerian hormone; plus strand). Cytogenetic location: 19p13.3.
Variant type: single nucleotide variant.
Coding change: c.428C>T on transcript NM_000479.5 (MANE Select); coding-DNA position 428, C replaced by T.
Protein change: p.Thr143Ile; replaces threonine 143 with isoleucine.
Molecular consequence: missense variant.
Genome position (GRCh38, 1-based): chr19:2,250,352, C>T. VCF-style: chr19-2250352-C-T. GRCh37 (hg19) VCF-style: chr19-2250351-C-T.
Other names: short protein forms T143I.
Identifiers: ClinVar variation 1671000 (VCV001671000.31), dbSNP rs139265145, ClinGen allele CA9062862.

ClinVar aggregate classification (germline): Benign. Review status: criteria provided, multiple submitters, no conflicts (2 of 4 stars). 3 submissions from 3 submitters: Benign (3). Last evaluated 2026-08-01.

Allele frequency attached by ClinVar (database versions not stated): gnomAD exomes 0.00898 and 0.00537; ExAC 0.01012; 1000 Genomes Project 30x 0.00406; TOPMed 0.00503; 1000 Genomes Project 0.00379; ESP Exome Variant Server 0.00534; gnomAD 0.00554 and 0.00563.
gnomAD v4.1: 13,645 of 1,598,166 alleles (0.85%); highest among the groups gnomAD compares: Non-Finnish European, 1.1%; 87 homozygotes.

Submissions (3):

CeGaT Center for Human Genetics Tuebingen
Classification: Benign. Last evaluated: 2026-08-01. Review status: criteria provided, single submitter. Criteria: CeGaT Center For Human Genetics Tuebingen Variant Classification Criteria Version 2. Collection method: clinical testing. Allele origin: germline. Affected: yes. Observed: 6 variant alleles.
Comment: AMH: BP4, BS1, BS2

Labcorp Genetics (formerly Invitae), Labcorp
Classification: Benign. Last evaluated: 2026-01-28. Review status: criteria provided, single submitter. Criteria: Invitae Variant Classification Sherloc (09022015). Collection method: clinical testing. Allele origin: germline.

Breakthrough Genomics
Classification: Benign. Review status: criteria provided, single submitter. Criteria: ACMG Guidelines, 2015. Collection method: not provided. Allele origin: germline. Inheritance: Autosomal recessive inheritance. Affected: yes.